The following is an entry in ClinVar:

ClinVar aggregate classification (germline): Uncertain significance. Review status: criteria provided, multiple submitters, no conflicts (2 of 4 stars). 2 submissions from 2 submitters: Uncertain significance (2). Last evaluated 2025-04-21.

Conditions:
Inborn genetic diseases. Identifiers: MedGen C0950123, MeSH D030342.
Hereditary spastic paraplegia 28. Also called: Spastic paraplegia 28, autosomal recessive. Identifiers: Orphanet 101008, MedGen C1836295, MONDO:0012256, OMIM 609340.

Allele frequency attached by ClinVar (database versions not stated): gnomAD 0.00001; ExAC 0.00002; gnomAD exomes 0.00004; TOPMed 0.00004.

Submissions (2):

Labcorp Genetics (formerly Invitae), Labcorp
Classification: Uncertain significance for Hereditary spastic paraplegia 28. Last evaluated: 2025-04-21. Review status: criteria provided, single submitter. Criteria: Invitae Variant Classification Sherloc (09022015). Collection method: clinical testing. Allele origin: germline.
Comment: This sequence change replaces arginine, which is basic and polar, with glutamine, which is neutral and polar, at codon 595 of the DDHD1 protein (p.Arg595Gln). This variant is present in population databases (rs746508736, gnomAD 0.03%). This variant has not been reported in the literature in individuals affected with DDHD1-related conditions. ClinVar contains an entry for this variant (Variation ID: 1521408). Invitae Evidence Modeling of protein sequence and biophysical properties (such as structural, functional, and spatial information, amino acid conservation, physicochemical variation, residue mobility, and thermodynamic stability) indicates that this missense variant is not expected to disrupt DDHD1 protein function with a negative predictive value of 80%. In summary, the available evidence is currently insufficient to determine the role of this variant in disease. Therefore, it has been classified as a Variant of Uncertain Significance.

Ambry Genetics
Classification: Uncertain significance for Inborn genetic diseases. Last evaluated: 2025-02-12. Review status: criteria provided, single submitter. Criteria: Ambry Variant Classification Scheme 2023. Collection method: clinical testing. Allele origin: germline.

NM_001160148.2(DDHD1):c.1763G>A (p.Arg588Gln)

Gene: DDHD1 (DDHD domain containing 1; minus strand). Cytogenetic location: 14q22.1.
Variant type: single nucleotide variant.
Coding change: c.1763G>A on transcript NM_001160148.2 (MANE Select); coding-DNA position 1763, G replaced by A.
Protein change: p.Arg588Gln; replaces arginine 588 with glutamine.
Molecular consequence: missense variant.
Genome position (GRCh38, 1-based): chr14:53,062,946, C>T on the plus strand (G>A on the coding strand, the complement: DDHD1 is on the minus strand). VCF-style: chr14-53062946-C-T. GRCh37 (hg19) VCF-style: chr14-53529664-C-T.
Other names: c.1763G>A (NM_001160148.1); c.1784G>A, p.Arg595Gln (NM_001160147.2); c.1763G>A, p.Arg588Gln (NM_030637.3); short protein forms R588Q, R595Q.
Identifiers: ClinVar variation 1521408 (VCV001521408.7), dbSNP rs746508736, ClinGen allele CA7191162.